The following is an entry in ClinVar:

ClinVar aggregate classification (germline): Likely benign. Review status: criteria provided, multiple submitters, no conflicts (2 of 4 stars). 3 submissions from 3 submitters: Likely benign (3). Last evaluated 2026-01-29.

Conditions:
VCL-related disorder. Also called: VCL-related condition.
Cardiovascular phenotype. Identifiers: MedGen CN230736.
Dilated cardiomyopathy 1W (CMD1W). Identifiers: Orphanet 154, MedGen C1969639, MONDO:0012667, OMIM 611407.

Allele frequency attached by ClinVar (database versions not stated): gnomAD 0.00001 and 0.00006; ExAC 0.00002; gnomAD exomes 0.00002 and 0.00004; TOPMed 0.00002; 1000 Genomes Project 30x 0.00047; 1000 Genomes Project 0.00060.
gnomAD v4.1: 44 of 1,614,190 alleles (0.0027%); highest among the groups gnomAD compares: South Asian, 0.037%; no homozygotes.

Submissions (3):

PreventionGenetics, part of Exact Sciences
Classification: Likely benign for VCL-related condition. Last evaluated: 2026-01-29. Review status: criteria provided, single submitter. Criteria: ACMG Guidelines, 2015. Collection method: clinical testing. Allele origin: germline.
Comment: This variant is classified as likely benign based on ACMG/AMP sequence variant interpretation guidelines (Richards et al. 2015 PMID: 25741868, with internal and published modifications).

Ambry Genetics
Classification: Likely benign for Cardiovascular phenotype. Last evaluated: 2025-08-30. Review status: criteria provided, single submitter. Criteria: Ambry Variant Classification Scheme 2023. Collection method: clinical testing. Allele origin: germline.

Labcorp Genetics (formerly Invitae), Labcorp
Classification: Likely benign for Dilated cardiomyopathy 1W. Last evaluated: 2024-06-11. Review status: criteria provided, single submitter. Criteria: Invitae Variant Classification Sherloc (09022015). Collection method: clinical testing. Allele origin: germline.

NM_014000.3(VCL):c.804A>G (p.Arg268=)

Gene: VCL (vinculin; plus strand). Cytogenetic location: 10q22.2.
Variant type: single nucleotide variant.
Coding change: c.804A>G on transcript NM_014000.3 (MANE Select); coding-DNA position 804, A replaced by G.
Protein change: p.Arg268=; no amino-acid change (arginine 268 retained).
Molecular consequence: synonymous variant.
Genome position (GRCh38, 1-based): chr10:74,082,474, A>G. VCF-style: chr10-74082474-A-G. GRCh37 (hg19) VCF-style: chr10-75842232-A-G.
Other names: c.804A>G, p.Arg268= (NM_003373.4).
Identifiers: ClinVar variation 536724 (VCV000536724.11), dbSNP rs556334319, ClinGen allele CA5562864.